The following is an entry in ClinVar:

NM_001278689.2(EOGT):c.78_81del (p.His27fs)

Gene: EOGT (EGF domain specific O-linked N-acetylglucosamine transferase; minus strand). Cytogenetic location: 3p14.1.
Variant type: Deletion.
Coding change: c.78_81del on transcript NM_001278689.2 (MANE Select); coding-DNA positions 78 to 81, 4 bases deleted (TCAC; older notation c.78_81delTCAC).
Protein change: p.His27fs; shifts the reading frame from histidine 27.
Molecular consequence: frameshift variant. On other transcripts: non-coding transcript variant (1).
Genome position (GRCh38, 1-based): chr3:69,009,766-69,009,769, GTGA deleted on the plus strand (TCAC on the coding strand, the reverse complement: EOGT is on the minus strand); deleting any 4 consecutive bases within chr3:69,009,766-69,009,771 gives the same sequence; the c. name uses the placement nearest the transcript's 3' end. VCF-style (leftmost placement, unchanged base first): chr3-69009765-TGTGA-T. GRCh37 (hg19) VCF-style: chr3-69058916-TGTGA-T.
Other names: c.78_81delTCAC (NM_173654.2); c.78_81del, p.His27fs (NM_173654.3); short protein forms H27fs.
Identifiers: ClinVar variation 523593 (VCV000523593.7), dbSNP rs771160630, ClinGen allele CA2487048.
Genomic context (GRCh38, chr3:69,009,765, plus strand): 5'-GAATGTGCTCCTCTGGCAAGCGGATGCTGGCATAGTTATACAGAGGTTCGCCTGGAATGC[TGTGA>T]GTATTAGGAGGAGCTTCATTCTGACCACTCAGTGAGACTTCATGAAGTAAGACTCCAAAG-3'

ClinVar aggregate classification (germline): Pathogenic/Likely pathogenic. Review status: criteria provided, multiple submitters, no conflicts (2 of 4 stars). 4 submissions from 4 submitters: Pathogenic (2); Likely pathogenic (2). Last evaluated 2025-04-17.

Conditions:
Adams-Oliver syndrome 4 (AOS4). Identifiers: Orphanet 974, MedGen C3809092, MONDO:0014124, OMIM 615297.
EOGT-related disorder. Also called: EOGT-related condition.

Submissions (4):

PreventionGenetics, part of Exact Sciences
Classification: Likely pathogenic for EOGT-related condition. Last evaluated: 2025-04-17. Review status: criteria provided, single submitter. Criteria: ACMG Guidelines, 2015. Collection method: clinical testing. Allele origin: germline.
Comment: The EOGT c.78_81delTCAC variant is predicted to result in a frameshift and premature protein termination (p.His27Alafs*46). This variant was reported in the compound heterozygous state with a splice variant an individual with Adams-Oliver syndrome (AOS) (Meester et al. 2018. PubMed ID: 29924900). This variant is reported in 0.016% of alleles in individuals of European (Finnish) descent in gnomAD. Other frameshift variants in EOGT have been reported in individuals with AOS (Shaheen et al. 2013. PubMed ID: 23522784; Meester et al. 2018. PubMed ID: 29924900; Dudoignon et al. 2020. PubMed ID: 31654484). Taken together, this variant is interpreted as likely pathogenic.

Labcorp Genetics (formerly Invitae), Labcorp
Classification: Pathogenic for Adams-Oliver syndrome 4. Last evaluated: 2024-01-29. Review status: criteria provided, single submitter. Criteria: Invitae Variant Classification Sherloc (09022015). Collection method: clinical testing. Allele origin: germline.
Comment: This sequence change creates a premature translational stop signal (p.His27Alafs*46) in the EOGT gene. It is expected to result in an absent or disrupted protein product. Loss-of-function variants in EOGT are known to be pathogenic (PMID: 23522784, 23860037). This variant is present in population databases (rs771160630, gnomAD 0.02%). This premature translational stop signal has been observed in individual(s) with Adams-Oliver syndrome (PMID: 29924900). ClinVar contains an entry for this variant (Variation ID: 523593). For these reasons, this variant has been classified as Pathogenic.

Blueprint Genetics
Classification: Likely pathogenic for EOGT-related disorders. Last evaluated: 2023-08-02. Review status: criteria provided, single submitter. Criteria: ACMG Guidelines, 2015. Collection method: clinical testing. Allele origin: germline. Affected: yes. Observed: 3 variant alleles.

Centre of Medical Genetics, University of Antwerp
Classification: Pathogenic for Adams-Oliver syndrome 4. Last evaluated: 2017-12-01. Review status: criteria provided, single submitter. Criteria: Criteria for classifying variants, Center of Medical Genetics Antwerp, 2018. Collection method: research. Allele origin: inherited. Inheritance: Autosomal recessive inheritance. Affected: yes.
Comment: Found in a compound heterozgyosity with NM_001278689.1:c.1335-1G>A.

Literature cited by the submitters: PubMed 23522784 (cited by Labcorp Genetics (formerly Invitae), Labcorp); PubMed 23860037 (cited by Labcorp Genetics (formerly Invitae), Labcorp); PubMed 29924900 (cited by Labcorp Genetics (formerly Invitae), Labcorp and Centre of Medical Genetics, University of Antwerp).